The following is an entry in ClinVar:

ClinVar aggregate classification (germline): Uncertain significance (1 of 4 stars; one submission).

Conditions:
Familial cold autoinflammatory syndrome 2 (FCAS2). Identifiers: Orphanet 247868, MedGen C2673198, MONDO:0012724, OMIM 611762.

gnomAD v4.1: 1 of 1,614,054 alleles (0.000062%); no homozygotes.

Submission:

Labcorp Genetics (formerly Invitae), Labcorp
Classification: Uncertain significance for Familial cold autoinflammatory syndrome 2. Last evaluated: 2024-07-29. Review status: criteria provided, single submitter. Criteria: Invitae Variant Classification Sherloc (09022015). Collection method: clinical testing. Allele origin: germline.
Comment: This sequence change replaces arginine, which is basic and polar, with lysine, which is basic and polar, at codon 459 of the NLRP12 protein (p.Arg459Lys). This variant is not present in population databases (gnomAD no frequency). This variant has not been reported in the literature in individuals affected with NLRP12-related conditions. ClinVar contains an entry for this variant (Variation ID: 1423613). Advanced modeling of protein sequence and biophysical properties (such as structural, functional, and spatial information, amino acid conservation, physicochemical variation, residue mobility, and thermodynamic stability) performed at Invitae indicates that this missense variant is not expected to disrupt NLRP12 protein function with a negative predictive value of 80%. In summary, the available evidence is currently insufficient to determine the role of this variant in disease. Therefore, it has been classified as a Variant of Uncertain Significance.

NM_144687.4(NLRP12):c.1376G>A (p.Arg459Lys)

Gene: NLRP12 (NLR family pyrin domain containing 12; minus strand). Cytogenetic location: 19q13.42.
Variant type: single nucleotide variant.
Coding change: c.1376G>A on transcript NM_144687.4 (MANE Select); coding-DNA position 1376, G replaced by A.
Protein change: p.Arg459Lys; replaces arginine 459 with lysine.
Molecular consequence: missense variant.
Genome position (GRCh38, 1-based): chr19:53,810,283, C>T on the plus strand (G>A on the coding strand, the complement: NLRP12 is on the minus strand). VCF-style: chr19-53810283-C-T. GRCh37 (hg19) VCF-style: chr19-54313537-C-T.
Other names: c.1376G>A, p.Arg459Lys (NM_001277126.2, NM_001277129.1); short protein forms R459K.
Identifiers: ClinVar variation 1423613 (VCV001423613.8), dbSNP rs2122666367, ClinGen allele CA407413672.